The following is an entry in ClinVar:

NM_213599.3(ANO5):c.823C>G (p.Gln275Glu)

Gene: ANO5 (anoctamin 5; plus strand). Cytogenetic location: 11p14.3.
Variant type: single nucleotide variant.
Coding change: c.823C>G on transcript NM_213599.3 (MANE Select); coding-DNA position 823, C replaced by G.
Protein change: p.Gln275Glu; replaces glutamine 275 with glutamic acid.
Molecular consequence: missense variant.
Genome position (GRCh38, 1-based): chr11:22,239,629, C>G. VCF-style: chr11-22239629-C-G. GRCh37 (hg19) VCF-style: chr11-22261175-C-G.
Other names: c.820C>G, p.Gln274Glu (NM_001142649.2); c.781C>G, p.Gln261Glu (NM_001410963.1); c.778C>G, p.Gln260Glu (NM_001410964.1); short protein forms Q260E, Q274E, Q275E, Q261E.
Identifiers: ClinVar variation 1978037 (VCV001978037.5), dbSNP rs766994696, ClinGen allele CA5923044.

ClinVar aggregate classification (germline): Uncertain significance (1 of 4 stars; one submission).

Conditions:
Gnathodiaphyseal dysplasia (GDD). Also called: GNATHODIAPHYSEAL SCLEROSIS; OSTEOGENESIS IMPERFECTA WITH UNUSUAL SKELETAL LESIONS. Identifiers: Orphanet 53697, MedGen C1833736, MONDO:0008151, OMIM 166260.
Autosomal recessive limb-girdle muscular dystrophy type 2L (LGMDR12). Also called: Limb-Girdle Muscular Dystrophy R12 Anoctamin-5-Related (LGMD-R12); MUSCULAR DYSTROPHY, LIMB-GIRDLE, AUTOSOMAL RECESSIVE 12; Limb-girdle muscular dystrophy, type 2L. Identifiers: Orphanet 206549, MedGen C1969785, MONDO:0012652, OMIM 611307.

Allele frequency attached by ClinVar (database versions not stated): TOPMed below 0.00001; gnomAD 0.00001; ExAC 0.00002.

Submission:

Labcorp Genetics (formerly Invitae), Labcorp
Classification: Uncertain significance for Autosomal recessive limb-girdle muscular dystrophy type 2L; Gnathodiaphyseal dysplasia. Last evaluated: 2022-06-03. Review status: criteria provided, single submitter. Criteria: Invitae Variant Classification Sherloc (09022015). Collection method: clinical testing. Allele origin: germline.
Comment: Advanced modeling of protein sequence and biophysical properties (such as structural, functional, and spatial information, amino acid conservation, physicochemical variation, residue mobility, and thermodynamic stability) performed at Invitae indicates that this missense variant is not expected to disrupt ANO5 protein function. This variant has not been reported in the literature in individuals affected with ANO5-related conditions. This variant is present in population databases (rs766994696, gnomAD 0.007%). This sequence change replaces glutamine, which is neutral and polar, with glutamic acid, which is acidic and polar, at codon 275 of the ANO5 protein (p.Gln275Glu). In summary, the available evidence is currently insufficient to determine the role of this variant in disease. Therefore, it has been classified as a Variant of Uncertain Significance.